The following is an entry in ClinVar:

NM_002485.5(NBN):c.1270A>G (p.Met424Val)

Gene: NBN (nibrin; minus strand). Cytogenetic location: 8q21.3.
Variant type: single nucleotide variant.
Coding change: c.1270A>G on transcript NM_002485.5 (MANE Select); coding-DNA position 1270, A replaced by G.
Protein change: p.Met424Val; replaces methionine 424 with valine.
Molecular consequence: missense variant.
Genome position (GRCh38, 1-based): chr8:89,955,410, T>C on the plus strand (A>G on the coding strand, the complement: NBN is on the minus strand). VCF-style: chr8-89955410-T-C. GRCh37 (hg19) VCF-style: chr8-90967638-T-C.
Other names: c.1024A>G, p.Met342Val (NM_001024688.3); short protein forms M342V, M424V.
Identifiers: ClinVar variation 1765320 (VCV001765320.2), dbSNP rs1349554940, ClinGen allele CA371656227.

ClinVar aggregate classification (germline): Uncertain significance (1 of 4 stars; one submission).

Conditions:
Hereditary cancer-predisposing syndrome. Also called: Neoplastic Syndromes, Hereditary; Tumor predisposition; Hereditary Cancer Syndrome; Hereditary neoplastic syndrome. Identifiers: Orphanet 140162, MedGen C0027672, MeSH D009386, MONDO:0015356.

Submission:

Ambry Genetics
Classification: Uncertain significance for Hereditary cancer-predisposing syndrome. Last evaluated: 2022-08-22. Review status: criteria provided, single submitter. Criteria: Ambry Variant Classification Scheme 2023. Collection method: clinical testing. Allele origin: germline.
Comment: The p.M424V variant (also known as c.1270A>G), located in coding exon 10 of the NBN gene, results from an A to G substitution at nucleotide position 1270. The methionine at codon 424 is replaced by valine, an amino acid with highly similar properties. This amino acid position is not well conserved in available vertebrate species. In addition, this alteration is predicted to be tolerated by in silico analysis. Since supporting evidence is limited at this time, the clinical significance of this alteration remains unclear.